The following is an entry in ClinVar:

ClinVar aggregate classification (germline): Benign/Likely benign. Review status: criteria provided, multiple submitters, no conflicts (2 of 4 stars). 4 submissions from 4 submitters: Benign (1); Likely benign (3). Last evaluated 2025-04-12.

Conditions:
Hereditary cancer-predisposing syndrome. Also called: Neoplastic Syndromes, Hereditary; Hereditary Cancer Syndrome; Tumor predisposition; Hereditary neoplastic syndrome. Identifiers: Orphanet 140162, MedGen C0027672, MeSH D009386, MONDO:0015356.
Oligodontia-cancer predisposition syndrome. Also called: TOOTH AGENESIS-COLORECTAL CANCER SYNDROME. Identifiers: Orphanet 300576, MedGen C1837750, MONDO:0012075, OMIM 608615. Disease mechanism: loss of function.

Submissions (4):

Ambry Genetics
Classification: Likely benign for Hereditary cancer-predisposing syndrome. Last evaluated: 2025-04-12. Review status: criteria provided, single submitter. Criteria: Ambry Variant Classification Scheme 2023. Collection method: clinical testing. Allele origin: germline.

Center for Genomic Medicine, Rigshospitalet, Copenhagen University Hospital
Classification: Likely benign. Last evaluated: 2025-03-04. Review status: criteria provided, single submitter. Criteria: ACMG Guidelines, 2015. Collection method: clinical testing. Allele origin: germline.

Myriad Genetics, Inc.
Classification: Benign for Oligodontia-cancer predisposition syndrome. Last evaluated: 2024-07-09. Review status: criteria provided, single submitter. Criteria: Myriad Autosomal Dominant, Autosomal Recessive and X-Linked Classification Criteria (2023). Collection method: clinical testing. Allele origin: unknown.
Comment: This variant is considered benign. This variant is a silent/synonymous amino acid change and it is not expected to impact splicing.

Labcorp Genetics (formerly Invitae), Labcorp
Classification: Likely benign for Oligodontia-cancer predisposition syndrome. Last evaluated: 2024-04-11. Review status: criteria provided, single submitter. Criteria: Invitae Variant Classification Sherloc (09022015). Collection method: clinical testing. Allele origin: germline.

NM_004655.4(AXIN2):c.2019C>A (p.Thr673=)

Gene: AXIN2 (axin 2; minus strand). Cytogenetic location: 17q24.1.
Variant type: single nucleotide variant.
Coding change: c.2019C>A on transcript NM_004655.4 (MANE Select); coding-DNA position 2019, C replaced by A.
Protein change: p.Thr673=; no amino-acid change (threonine 673 retained).
Molecular consequence: synonymous variant.
Genome position (GRCh38, 1-based): chr17:65,536,442, G>T on the plus strand (C>A on the coding strand, the complement: AXIN2 is on the minus strand). VCF-style: chr17-65536442-G-T. GRCh37 (hg19) VCF-style: chr17-63532560-G-T.
Other names: c.2019C>A (NM_004655.3); c.1824C>A, p.Thr608= (NM_001363813.1).
Identifiers: ClinVar variation 1554667 (VCV001554667.16), dbSNP rs1450619354, ClinGen allele CA501690951.